The following is an entry in ClinVar:

ClinVar aggregate classification (germline): Likely pathogenic (1 of 4 stars; one submission).

Conditions:
Isovaleryl-CoA dehydrogenase deficiency (IVA). Also called: ISOVALERIC ACID CoA DEHYDROGENASE DEFICIENCY; Isovaleric acidemia; Classic Isovaleric Acidemia; IVD DEFICIENCY. Identifiers: Orphanet 33, MedGen C0268575, MONDO:0009475, OMIM 243500.

Submission:

Natera, Inc.
Classification: Likely pathogenic for Isovaleryl-coa dehydrogenase deficiency. Last evaluated: 2024-12-14. Review status: criteria provided, single submitter. Criteria: Natera Variant Classification Schema (03/2026). Collection method: clinical testing. Allele origin: germline.
Comment: The c.1157_1160dup variant in IVD is a frameshift variant predicted to shift the reading frame and introduce a stop codon. This variant is expected to result in nonsense mediated decay, truncation, or a dysfunctional protein product. This variant is rare in the general population with a frequency below the threshold expected for the associated phenotype(s). This variant has been observed in one or more individuals affected with the associated recessive disease, as either homozygous or compound heterozygous with a second variant (PMID: 20519759). Given the available evidence, this variant is classified as Likely Pathogenic.

Literature cited by the submitters: PubMed 20519759.

NM_002225.5(IVD):c.1148_1151dup (p.Tyr384Ter)

Gene: IVD (isovaleryl-CoA dehydrogenase; plus strand). Cytogenetic location: 15q15.1.
Variant type: Duplication.
Coding change: c.1148_1151dup on transcript NM_002225.5 (MANE Select); coding-DNA positions 1148 to 1151, 4 bases duplicated (GCTA; older notation c.1148_1151dupGCTA).
Protein change: p.Tyr384Ter; replaces tyrosine 384 with a stop codon.
Molecular consequence: nonsense. On other transcripts: intron variant (3).
Genome position (GRCh38, 1-based): chr15:40,418,139-40,418,142, GCTA duplicated. VCF-style (leftmost placement, unchanged base first): chr15-40418138-G-GGCTA. GRCh37 (hg19) VCF-style: chr15-40710337-G-GGCTA.
Other names: c.1235_1238dup, p.Tyr413Ter (NM_001354599.3); c.1225+1777_1225+1780dup (NM_001354600.3); c.1138+1777_1138+1780dup (NM_001354598.3, NM_001354601.3); c.1058_1061dup, p.Tyr354Ter (NM_001159508.3); c.1100_1103dup, p.Tyr368Ter (NM_001354597.3); short protein forms Y354*, Y368*, Y384*, Y413*.
Identifiers: ClinVar variation 4814998 (VCV004814998.1).